The following is an entry in ClinVar:

NM_000051.4(ATM):c.5857A>G (p.Thr1953Ala)

Genes: ATM (ATM serine/threonine kinase; plus strand), C11orf65 (chromosome 11 open reading frame 65; minus strand). Cytogenetic location: 11q22.3.
Variant type: single nucleotide variant.
Coding change: c.5857A>G on transcript NM_000051.4 (MANE Select); coding-DNA position 5857, A replaced by G.
Protein change: p.Thr1953Ala; replaces threonine 1953 with alanine.
Molecular consequence: missense variant. On other transcripts: intron variant (2).
Genome position (GRCh38, 1-based): chr11:108,310,254, A>G. VCF-style: chr11-108310254-A-G. GRCh37 (hg19) VCF-style: chr11-108180981-A-G.
Other names: c.5857A>G, p.Thr1953Ala (NM_001351834.2); c.641-1183T>C (NM_001330368.2); c.*39-1183T>C (NM_001351110.2); short protein forms T1953A.
Identifiers: ClinVar variation 948130 (VCV000948130.14), dbSNP rs2084033441, ClinGen allele CA382548475.

ClinVar aggregate classification (germline): Uncertain significance. Review status: criteria provided, multiple submitters, no conflicts (2 of 4 stars). 3 submissions from 3 submitters: Uncertain significance (3). Last evaluated 2024-12-30.

Conditions:
Hereditary cancer-predisposing syndrome. Also called: Tumor predisposition; Neoplastic Syndromes, Hereditary; Hereditary neoplastic syndrome; Hereditary Cancer Syndrome. Identifiers: Orphanet 140162, MedGen C0027672, MeSH D009386, MONDO:0015356.
Ataxia-telangiectasia syndrome (AT). Also called: Ataxia-telangiectasia, complementation group D; AT, COMPLEMENTATION GROUP C; ATAXIA-TELANGIECTASIA, COMPLEMENTATION GROUP A; ATAXIA-TELANGIECTASIA, FRESNO VARIANT; Ataxia-telangiectasia; Ataxia telangiectasia (A-T). Identifiers: Orphanet 100, MedGen C0004135, MONDO:0008840, OMIM 208900.

Allele frequency attached by ClinVar (database versions not stated): gnomAD exomes below 0.00001.
gnomAD v4.1: 1 of 1,613,528 alleles (0.000062%); highest among the groups gnomAD compares: East Asian, 0.0022%; no homozygotes.

Submissions (3):

Ambry Genetics
Classification: Uncertain significance for Hereditary cancer-predisposing syndrome. Last evaluated: 2024-12-30. Review status: criteria provided, single submitter. Criteria: Ambry Variant Classification Scheme 2023. Collection method: clinical testing. Allele origin: germline.
Comment: The p.T1953A variant (also known as c.5857A>G), located in coding exon 38 of the ATM gene, results from an A to G substitution at nucleotide position 5857. The threonine at codon 1953 is replaced by alanine, an amino acid with similar properties. This alteration was not observed in 7,051 unselected female breast cancer patients but was observed in 1 out of 11,241 female controls of Japanese ancestry. In addition, it was not observed in unselected male breast cancer patients or in any of the 12,490 male controls of Japanese ancestry (Momozawa Y et al. Nat Commun. 2018 10;9:4083). This amino acid position is highly conserved in available vertebrate species. In addition, this alteration is predicted to be deleterious by in silico analysis. Since supporting evidence is limited at this time, the clinical significance of this alteration remains unclear.

Blueprint Genetics
Classification: Uncertain significance. Last evaluated: 2024-04-04. Review status: criteria provided, single submitter. Criteria: ACMG Guidelines, 2015. Collection method: clinical testing. Allele origin: germline.

Labcorp Genetics (formerly Invitae), Labcorp
Classification: Uncertain significance for Ataxia-telangiectasia syndrome. Last evaluated: 2024-03-09. Review status: criteria provided, single submitter. Criteria: Invitae Variant Classification Sherloc (09022015). Collection method: clinical testing. Allele origin: germline.
Comment: This sequence change replaces threonine, which is neutral and polar, with alanine, which is neutral and non-polar, at codon 1953 of the ATM protein (p.Thr1953Ala). This variant is not present in population databases (gnomAD no frequency). This variant has not been reported in the literature in individuals affected with ATM-related conditions. ClinVar contains an entry for this variant (Variation ID: 948130). An algorithm developed to predict the effect of missense changes on protein structure and function (PolyPhen-2) suggests that this variant is likely to be disruptive. This variant disrupts the p.Thr1953 amino acid residue in ATM. Other variant(s) that disrupt this residue have been determined to be pathogenic (PMID: 18634022, 26896183). This suggests that this residue is clinically significant, and that variants that disrupt this residue are likely to be disease-causing. In summary, the available evidence is currently insufficient to determine the role of this variant in disease. Therefore, it has been classified as a Variant of Uncertain Significance.

Literature cited by the submitters: PubMed 30287823 (cited by Ambry Genetics); PubMed 18634022 (cited by Labcorp Genetics (formerly Invitae), Labcorp); PubMed 26896183 (cited by Labcorp Genetics (formerly Invitae), Labcorp).